The following is an entry in ClinVar:

ClinVar aggregate classification (germline): Uncertain significance (1 of 4 stars; one submission).

Conditions:
Developmental and epileptic encephalopathy, 8 (DEE8). Also called: HYPEREKPLEXIA AND EPILEPSY. Identifiers: Orphanet 163985, Orphanet 2076, MedGen C1845102, MONDO:0010375, OMIM 300607.

Submission:

Labcorp Genetics (formerly Invitae), Labcorp
Classification: Uncertain significance for Developmental and epileptic encephalopathy, 8. Last evaluated: 2020-01-25. Review status: criteria provided, single submitter. Criteria: Invitae Variant Classification Sherloc (09022015). Collection method: clinical testing. Allele origin: germline.
Comment: In summary, the available evidence is currently insufficient to determine the role of this variant in disease. Therefore, it has been classified as a Variant of Uncertain Significance. Algorithms developed to predict the effect of missense changes on protein structure and function are either unavailable or do not agree on the potential impact of this missense change (SIFT: "Deleterious"; PolyPhen-2: "Benign"; Align-GVGD: "Class C15"). This variant has not been reported in the literature in individuals with ARHGEF9-related conditions. This variant is not present in population databases (ExAC no frequency). This sequence change replaces phenylalanine with leucine at codon 514 of the ARHGEF9 protein (p.Phe514Leu). The phenylalanine residue is highly conserved and there is a small physicochemical difference between phenylalanine and leucine.

NM_001353921.2(ARHGEF9):c.1561T>C (p.Phe521Leu)

Gene: ARHGEF9 (Cdc42 guanine nucleotide exchange factor 9; minus strand). Cytogenetic location: Xq11.1.
Variant type: single nucleotide variant.
Coding change: c.1561T>C on transcript NM_001353921.2 (MANE Select); coding-DNA position 1561, T replaced by C.
Protein change: p.Phe521Leu; replaces phenylalanine 521 with leucine.
Molecular consequence: missense variant. On other transcripts: 3 prime UTR variant (2).
Genome position (GRCh38, 1-based): chrX:63,638,039, A>G on the plus strand (T>C on the coding strand, the complement: ARHGEF9 is on the minus strand). VCF-style: chrX-63638039-A-G. GRCh37 (hg19) VCF-style: chrX-62857919-A-G.
Other names: c.1381T>C, p.Phe461Leu (NM_001173479.2); c.1234T>C, p.Phe412Leu (NM_001173480.2, NM_001369042.1); c.1477T>C, p.Phe493Leu (NM_001330495.2, NM_001369033.1, NM_001369034.1 and 4 more transcripts); c.1429T>C, p.Phe477Leu (NM_001353922.2); c.1579T>C, p.Phe527Leu (NM_001353923.1); c.1360T>C, p.Phe454Leu (NM_001353924.2, NM_001353926.2, NM_001369039.1 and 1 more transcripts); c.1345T>C, p.Phe449Leu (NM_001353927.2, NM_001369041.1); c.1408T>C, p.Phe470Leu (NM_001353928.2); and 3 more; short protein forms F454L, F470L, F514L, F521L, F412L, F461L, F477L, F332L.
Identifiers: ClinVar variation 1047389 (VCV001047389.11), dbSNP rs2047401810, ClinGen allele CA413400951.